The following is an entry in ClinVar:

NM_000051.4(ATM):c.4204A>T (p.Lys1402Ter)

Gene: ATM (ATM serine/threonine kinase; plus strand). Cytogenetic location: 11q22.3.
Variant type: single nucleotide variant.
Coding change: c.4204A>T on transcript NM_000051.4 (MANE Select); coding-DNA position 4204, A replaced by T.
Protein change: p.Lys1402Ter; replaces lysine 1402 with a stop codon.
Molecular consequence: nonsense.
Genome position (GRCh38, 1-based): chr11:108,289,071, A>T. VCF-style: chr11-108289071-A-T. GRCh37 (hg19) VCF-style: chr11-108159798-A-T.
Other names: c.4204A>T, p.Lys1402Ter (NM_001351834.2); short protein forms K1402*.
Identifiers: ClinVar variation 4698283 (VCV004698283.1).
Genomic context (GRCh38, chr11:108,289,071, plus strand): 5'-CCATCGCATGTGATTAAAGCAACATTTGCCTATATCAGCAATTGTCATAAAACCAAGTTA[A>T]AAAGCATTTTAGAAATTCTTTCCAAAAGCCCTGTAAGTATACATGATGAGTTTAATAATA-3'

ClinVar aggregate classification (germline): Pathogenic (1 of 4 stars; one submission).

Conditions:
Ataxia-telangiectasia syndrome (AT). Also called: Cerebello-oculocutaneous telangiectasia; Immunodeficiency with ataxia telangiectasia; Ataxia-telangiectasia, complementation group E; Ataxia telangiectasia (A-T); LOUIS-BAR SYNDROME; Ataxia-telangiectasia, complementation group D. Identifiers: Orphanet 100, MedGen C0004135, MONDO:0008840, OMIM 208900.

Submission:

Labcorp Genetics (formerly Invitae), Labcorp
Classification: Pathogenic for Ataxia-telangiectasia syndrome. Last evaluated: 2026-01-07. Review status: criteria provided, single submitter. Criteria: Invitae Variant Classification Sherloc (09022015). Collection method: clinical testing. Allele origin: germline.
Comment: This sequence change creates a premature translational stop signal (p.Lys1402*) in the ATM gene. It is expected to result in an absent or disrupted protein product. Loss-of-function variants in ATM are known to be pathogenic (PMID: 23807571, 25614872). This variant is not present in population databases (gnomAD no frequency). This premature translational stop signal has been observed in individual(s) with prostate Cancer (PMID: 31214711). For these reasons, this variant has been classified as Pathogenic.

Literature cited by the submitters: PubMed 23807571; PubMed 25614872; PubMed 31214711.